The following is an entry in ClinVar:

NM_001103.4(ACTN2):c.1601G>T (p.Gly534Val)

Gene: ACTN2 (actinin alpha 2; plus strand). Cytogenetic location: 1q43.
Variant type: single nucleotide variant.
Coding change: c.1601G>T on transcript NM_001103.4 (MANE Select); coding-DNA position 1601, G replaced by T.
Protein change: p.Gly534Val; replaces glycine 534 with valine.
Molecular consequence: missense variant.
Genome position (GRCh38, 1-based): chr1:236,749,209, G>T. VCF-style: chr1-236749209-G-T. GRCh37 (hg19) VCF-style: chr1-236912509-G-T.
Other names: c.1601G>T, p.Gly534Val (NM_001278343.2); c.977G>T, p.Gly326Val (NM_001278344.2); short protein forms G534V, G326V.
Identifiers: ClinVar variation 412272 (VCV000412272.8), dbSNP rs1060503685, ClinGen allele CA16610063.

ClinVar aggregate classification (germline): Uncertain significance (1 of 4 stars; one submission).

Conditions:
Dilated cardiomyopathy 1AA (CMD1AA). Also called: CARDIOMYOPATHY, DILATED, 1AA, WITH OR WITHOUT LEFT VENTRICULAR NONCOMPACTION; CARDIOMYOPATHY, FAMILIAL HYPERTROPHIC, 23, WITH OR WITHOUT LEFT VENTRICULAR NONCOMPACTION; Cardiomyopathy, dilated, 1AA, with or without LVNC. Identifiers: Orphanet 154, MedGen C2677338, MONDO:0012808, OMIM 612158.
Primary familial hypertrophic cardiomyopathy (HCM). Identifiers: Orphanet 99739, MedGen C0949658, MeSH D024741, MONDO:0024573. Inheritance: Various modes of inheritance.

Allele frequency attached by ClinVar (database versions not stated): gnomAD exomes below 0.00001 and 0.00002.
gnomAD v4.1: 23 of 1,614,172 alleles (0.0014%); highest among the groups gnomAD compares: Non-Finnish European, 0.0019%; no homozygotes.

Submission:

Labcorp Genetics (formerly Invitae), Labcorp
Classification: Uncertain significance for Primary familial hypertrophic cardiomyopathy; Dilated cardiomyopathy 1AA. Last evaluated: 2024-10-07. Review status: criteria provided, single submitter. Criteria: Invitae Variant Classification Sherloc (09022015). Collection method: clinical testing. Allele origin: germline.
Comment: This sequence change replaces glycine, which is neutral and non-polar, with valine, which is neutral and non-polar, at codon 534 of the ACTN2 protein (p.Gly534Val). This variant is present in population databases (no rsID available, gnomAD 0.0009%). This variant has not been reported in the literature in individuals affected with ACTN2-related conditions. ClinVar contains an entry for this variant (Variation ID: 412272). Invitae Evidence Modeling of protein sequence and biophysical properties (such as structural, functional, and spatial information, amino acid conservation, physicochemical variation, residue mobility, and thermodynamic stability) indicates that this missense variant is expected to disrupt ACTN2 protein function with a positive predictive value of 80%. In summary, the available evidence is currently insufficient to determine the role of this variant in disease. Therefore, it has been classified as a Variant of Uncertain Significance.